The following is an entry in ClinVar:

NM_005219.5(DIAPH1):c.3206_3207insTTC (p.Val1069_Glu1070insSer)

Gene: DIAPH1 (diaphanous related formin 1; minus strand). Cytogenetic location: 5q31.3.
Variant type: Insertion.
Coding change: c.3206_3207insTTC on transcript NM_005219.5 (MANE Select); coding-DNA positions 3206 to 3207, TTC inserted.
Protein change: p.Val1069_Glu1070insSer.
Molecular consequence: inframe insertion.
Genome position: GRCh38 VCF-style: chr5-141527639-C-CGAA. GRCh37 (hg19) VCF-style: chr5-140907206-C-CGAA.
Other names: c.3179_3180insTTC, p.Val1060_Glu1061insSer (NM_001079812.3); c.3206_3207insTTC, p.Val1069_Glu1070insSer (NM_001314007.2).
Identifiers: ClinVar variation 967070 (VCV000967070.10), dbSNP rs1450758628, ClinGen allele CA563365266.

ClinVar aggregate classification (germline): Uncertain significance (1 of 4 stars; one submission).

Conditions:
Progressive microcephaly-seizures-cortical blindness-developmental delay syndrome. Also called: Seizures, cortical blindness, and microcephaly syndrome. Identifiers: Orphanet 477814, MedGen C5567650, MONDO:0014714, OMIM 616632.
Autosomal dominant nonsyndromic hearing loss 1. Also called: KONIGSMARK SYNDROME; DEAFNESS, AUTOSOMAL DOMINANT 1, WITH OR WITHOUT THROMBOCYTOPENIA. Identifiers: Orphanet 90635, MedGen C1852282, MONDO:0007424, OMIM 124900.

Allele frequency attached by ClinVar (database versions not stated): gnomAD exomes below 0.00001 and 0.00001; TOPMed below 0.00001.

Submission:

Labcorp Genetics (formerly Invitae), Labcorp
Classification: Uncertain significance for Progressive microcephaly-seizures-cortical blindness-developmental delay syndrome; Autosomal dominant nonsyndromic hearing loss 1. Last evaluated: 2025-06-02. Review status: criteria provided, single submitter. Criteria: Invitae Variant Classification Sherloc (09022015). Collection method: clinical testing. Allele origin: germline.
Comment: This variant, c.3206_3207insTTC, results in the insertion of 1 amino acid(s) of the DIAPH1 protein (p.Val1069_Glu1070insSer), but otherwise preserves the integrity of the reading frame. This variant is present in population databases (no rsID available, gnomAD 0.0009%). This variant has not been reported in the literature in individuals affected with DIAPH1-related conditions. ClinVar contains an entry for this variant (Variation ID: 967070). Experimental studies and prediction algorithms are not available or were not evaluated, and the functional significance of this variant is currently unknown. In summary, the available evidence is currently insufficient to determine the role of this variant in disease. Therefore, it has been classified as a Variant of Uncertain Significance.